The following is an entry in ClinVar:

ClinVar aggregate classification (germline): Pathogenic (1 of 4 stars; one submission).

Conditions:
Hereditary breast ovarian cancer syndrome. Also called: Hereditary breast and ovarian cancer syndrome; Hereditary breast and/or ovarian cancer syndrome; Hereditary breast and ovarian cancer; Breast and ovarian cancer; Hereditary breast and ovarian cancer syndrome (HBOC); BRCA1- and BRCA2-Associated Hereditary Breast and Ovarian Cancer. Identifiers: Orphanet 145, MedGen C0677776, MeSH D061325, MONDO:0003582. Disease mechanism: loss of function.

Submission:

Labcorp Genetics (formerly Invitae), Labcorp
Classification: Pathogenic for Hereditary breast ovarian cancer syndrome. Last evaluated: 2024-08-12. Review status: criteria provided, single submitter. Criteria: Invitae Variant Classification Sherloc (09022015). Collection method: clinical testing. Allele origin: germline.
Comment: This sequence change creates a premature translational stop signal (p.Thr248Hisfs*2) in the BRCA1 gene. It is expected to result in an absent or disrupted protein product. Loss-of-function variants in BRCA1 are known to be pathogenic (PMID: 20104584). This variant is not present in population databases (gnomAD no frequency). This variant has not been reported in the literature in individuals affected with BRCA1-related conditions. Algorithms developed to predict the effect of sequence changes on RNA splicing suggest that this variant may disrupt the consensus splice site. For these reasons, this variant has been classified as Pathogenic.

Literature cited by the submitters: PubMed 20104584.

NM_007294.4(BRCA1):c.742_743del (p.Thr248fs)

Gene: BRCA1 (BRCA1 DNA repair associated; minus strand). Cytogenetic location: 17q21.31.
Variant type: Microsatellite.
Coding change: c.742_743del on transcript NM_007294.4 (MANE Select); coding-DNA positions 742 to 743, 2 bases deleted (AC; older notation c.742_743delAC).
Protein change: p.Thr248fs; shifts the reading frame from threonine 248.
Molecular consequence: frameshift variant. On other transcripts: intron variant (13), 5 prime UTR variant (2).
Genome position (GRCh38, 1-based): chr17:43,094,788-43,094,789, GT deleted on the plus strand (AC on the coding strand, the reverse complement: BRCA1 is on the minus strand); deleting any 2 consecutive bases within chr17:43,094,788-43,094,791 gives the same sequence; the c. name uses the placement nearest the transcript's 3' end. VCF-style (leftmost placement, unchanged base first): chr17-43094787-GGT-G. GRCh37 (hg19) VCF-style: chr17-41246804-GGT-G.
Other names: c.529_530del, p.Thr177fs (NM_001407571.1, NM_001407853.1, NM_001407894.1 and 12 more transcripts); c.742_743del, p.Thr248fs (NM_001407581.1, NM_001407582.1, NM_001407583.1 and 53 more transcripts); c.739_740del, p.Thr247fs (NM_001407587.1, NM_001407590.1, NM_001407591.1 and 38 more transcripts); c.733_734del, p.Thr245fs (NM_001407646.1, NM_001407647.1, NM_001408408.1); c.619_620del, p.Thr207fs (NM_001407648.1, NM_001407664.1, NM_001407665.1 and 34 more transcripts); c.616_617del, p.Thr206fs (NM_001407649.1, NM_001407670.1, NM_001407671.1 and 20 more transcripts); c.664_665del, p.Thr222fs (NM_001407653.1, NM_001407654.1, NM_001407655.1 and 9 more transcripts); c.661_662del, p.Thr221fs (NM_001407659.1, NM_001407660.1, NM_001407661.1 and 3 more transcripts); and 20 more; short protein forms T136fs, T177fs, T201fs, T203fs, T206fs, T137fs, T159fs, T178fs.
Identifiers: ClinVar variation 3662100 (VCV003662100.2).